The following is an entry in ClinVar:

NM_001372044.2(SHANK3):c.2838C>G

Gene: SHANK3 (SH3 and multiple ankyrin repeat domains 3; plus strand). Cytogenetic location: 22q13.33.
Variant type: single nucleotide variant.
Coding change: c.2838C>G on transcript NM_001372044.2 (MANE Select); coding-DNA position 2838, C replaced by G.
Molecular consequence: nonsense (on NM_033517.1).
Genome position (GRCh38, 1-based): chr22:50,720,446, C>G. VCF-style: chr22-50720446-C-G. GRCh37 (hg19) VCF-style: chr22-51158874-C-G.
Other names: c.2613C>G, p.Tyr871Ter (NM_033517.1); short protein forms Y871*.
Identifiers: ClinVar variation 373766 (VCV000373766.5), dbSNP rs1001153999, ClinGen allele CA16043165.

ClinVar aggregate classification (germline): Pathogenic. Review status: criteria provided, multiple submitters, no conflicts (2 of 4 stars). 2 submissions from 2 submitters: Pathogenic (2). Last evaluated 2022-10-18.

Conditions:
Phelan-McDermid syndrome. Also called: TELOMERIC 22q13 MONOSOMY SYNDROME; 22q13.3 deletion syndrome; Phelan-McDermid Syndrome-SHANK3 Related. Identifiers: Orphanet 48652, MedGen C1853490, MONDO:0011652, OMIM 606232.

Submissions (2):

GeneDx
Classification: Pathogenic. Last evaluated: 2022-10-18. Review status: criteria provided, single submitter. Criteria: GeneDx Variant Classification Process June 2021. Collection method: clinical testing. Allele origin: germline. Affected: yes.
Comment: Nonsense variant predicted to result in protein truncation or nonsense mediated decay in a gene for which loss of function is a known mechanism of disease; Not observed at significant frequency in large population cohorts (gnomAD); Has not been previously published as pathogenic or benign to our knowledge

Institute of Human Genetics, University of Leipzig Medical Center
Classification: Pathogenic for Phelan-McDermid syndrome. Last evaluated: 2022-01-25. Review status: criteria provided, single submitter. Criteria: ACMG Guidelines, 2015. Collection method: clinical testing. Allele origin: de novo. Affected: yes.
Comment: This variant was identified as de novo (maternity and paternity confirmed)._x000D_ Criteria applied: PVS1, PS2_SUP, PS4_SUP, PM2_SUP